The following is an entry in ClinVar:

NM_001854.4(COL11A1):c.4991C>A (p.Pro1664Gln)

Gene: COL11A1 (collagen type XI alpha 1 chain; minus strand). Cytogenetic location: 1p21.1.
Variant type: single nucleotide variant.
Coding change: c.4991C>A on transcript NM_001854.4 (MANE Select); coding-DNA position 4991, C replaced by A.
Protein change: p.Pro1664Gln; replaces proline 1664 with glutamine.
Molecular consequence: missense variant. On other transcripts: non-coding transcript variant (1).
Genome position (GRCh38, 1-based): chr1:102,881,746, G>T on the plus strand (C>A on the coding strand, the complement: COL11A1 is on the minus strand). VCF-style: chr1-102881746-G-T. GRCh37 (hg19) VCF-style: chr1-103347302-G-T.
Other names: c.4874C>A, p.Pro1625Gln (NM_001190709.2); c.5027C>A, p.Pro1676Gln (NM_080629.3); c.4643C>A, p.Pro1548Gln (NM_080630.4); short protein forms P1548Q, P1625Q, P1664Q, P1676Q.
Identifiers: ClinVar variation 1303430 (VCV001303430.5), dbSNP rs1650268405, ClinGen allele CA341211370.

ClinVar aggregate classification (germline): Uncertain significance. Review status: criteria provided, multiple submitters, no conflicts (2 of 4 stars). 3 submissions from 3 submitters: Uncertain significance (3). Last evaluated 2025-02-09.

Conditions:
Inborn genetic diseases. Identifiers: MedGen C0950123, MeSH D030342.

Allele frequency attached by ClinVar (database versions not stated): gnomAD exomes below 0.00001; TOPMed below 0.00001.
gnomAD v4.1: 4 of 1,612,394 alleles (0.00025%); highest among the groups gnomAD compares: Non-Finnish European, 0.00034%; no homozygotes.

Submissions (3):

Ambry Genetics
Classification: Uncertain significance for Inborn genetic diseases. Last evaluated: 2025-02-09. Review status: criteria provided, single submitter. Criteria: Ambry Variant Classification Scheme 2023. Collection method: clinical testing. Allele origin: germline.

Labcorp Genetics (formerly Invitae), Labcorp
Classification: Uncertain significance. Last evaluated: 2025-01-21. Review status: criteria provided, single submitter. Criteria: Invitae Variant Classification Sherloc (09022015). Collection method: clinical testing. Allele origin: germline.
Comment: This sequence change replaces proline, which is neutral and non-polar, with glutamine, which is neutral and polar, at codon 1664 of the COL11A1 protein (p.Pro1664Gln). This variant is not present in population databases (gnomAD no frequency). This variant has not been reported in the literature in individuals affected with COL11A1-related conditions. ClinVar contains an entry for this variant (Variation ID: 1303430). Invitae Evidence Modeling of protein sequence and biophysical properties (such as structural, functional, and spatial information, amino acid conservation, physicochemical variation, residue mobility, and thermodynamic stability) indicates that this missense variant is not expected to disrupt COL11A1 protein function with a negative predictive value of 80%. In summary, the available evidence is currently insufficient to determine the role of this variant in disease. Therefore, it has been classified as a Variant of Uncertain Significance.

GeneDx
Classification: Uncertain significance. Last evaluated: 2021-04-28. Review status: criteria provided, single submitter. Criteria: GeneDx Variant Classification Process June 2021. Collection method: clinical testing. Allele origin: germline. Affected: yes.
Comment: Not observed in large population cohorts (Lek et al., 2016); In silico analysis supports that this missense variant has a deleterious effect on protein structure/function; Has not been previously published as pathogenic or benign to our knowledge